The following is an entry in ClinVar:

NM_003906.5(MCM3AP):c.1010dup (p.Leu337fs)

Gene: MCM3AP (minichromosome maintenance complex component 3 associated protein; minus strand). Cytogenetic location: 21q22.3.
Variant type: Duplication.
Coding change: c.1010dup on transcript NM_003906.5 (MANE Select); coding-DNA position 1010, one base duplicated (T; older notation c.1010dupT).
Protein change: p.Leu337fs; shifts the reading frame from leucine 337.
Molecular consequence: frameshift variant.
Genome position (GRCh38, 1-based): chr21:46,284,277, A duplicated on the plus strand (T on the coding strand, the reverse complement: MCM3AP is on the minus strand); the first of 3 consecutive A bases (chr21:46,284,277-46,284,279); duplicating any one gives the same sequence. VCF-style (leftmost placement, unchanged base first): chr21-46284276-T-TA. GRCh37 (hg19) VCF-style: chr21-47704190-T-TA.
Other names: short protein forms L337fs.
Identifiers: ClinVar variation 2085245 (VCV002085245.4), dbSNP rs891776856, ClinGen allele CA321980139.

ClinVar aggregate classification (germline): Pathogenic (1 of 4 stars; one submission).

Submission:

Labcorp Genetics (formerly Invitae), Labcorp
Classification: Pathogenic. Last evaluated: 2022-07-06. Review status: criteria provided, single submitter. Criteria: Invitae Variant Classification Sherloc (09022015). Collection method: clinical testing. Allele origin: germline.
Comment: For these reasons, this variant has been classified as Pathogenic. This variant has not been reported in the literature in individuals affected with MCM3AP-related conditions. This variant is not present in population databases (gnomAD no frequency). This sequence change creates a premature translational stop signal (p.Leu337Phefs*14) in the MCM3AP gene. It is expected to result in an absent or disrupted protein product. Loss-of-function variants in MCM3AP are known to be pathogenic (PMID: 28633435).

Literature cited by the submitters: PubMed 28633435.